The following is an entry in ClinVar:

ClinVar aggregate classification (germline): Uncertain significance (1 of 4 stars; one submission).

Conditions:
Catecholaminergic polymorphic ventricular tachycardia 1. Also called: VENTRICULAR TACHYCARDIA, CATECHOLAMINERGIC POLYMORPHIC, 1, WITH OR WITHOUT ATRIAL DYSFUNCTION AND/OR DILATED CARDIOMYOPATHY; RYR2-Related Catecholaminergic Polymorphic Ventricular Tachycardia; VENTRICULAR TACHYCARDIA, STRESS-INDUCED POLYMORPHIC 1. Identifiers: Orphanet 3286, MedGen C1631597, MONDO:0011484, OMIM 604772.

Submission:

Labcorp Genetics (formerly Invitae), Labcorp
Classification: Uncertain significance for Catecholaminergic polymorphic ventricular tachycardia 1. Last evaluated: 2025-03-03. Review status: criteria provided, single submitter. Criteria: Invitae Variant Classification Sherloc (09022015). Collection method: clinical testing. Allele origin: germline.
Comment: This sequence change replaces serine, which is neutral and polar, with phenylalanine, which is neutral and non-polar, at codon 2750 of the RYR2 protein (p.Ser2750Phe). This variant is not present in population databases (gnomAD no frequency). This variant has not been reported in the literature in individuals affected with RYR2-related conditions. Invitae Evidence Modeling of protein sequence and biophysical properties (such as structural, functional, and spatial information, amino acid conservation, physicochemical variation, residue mobility, and thermodynamic stability) indicates that this missense variant is not expected to disrupt RYR2 protein function with a negative predictive value of 95%. In summary, the available evidence is currently insufficient to determine the role of this variant in disease. Therefore, it has been classified as a Variant of Uncertain Significance.

NM_001035.3(RYR2):c.8249C>T (p.Ser2750Phe)

Gene: RYR2 (ryanodine receptor 2; plus strand). Cytogenetic location: 1q43.
Variant type: single nucleotide variant.
Coding change: c.8249C>T on transcript NM_001035.3 (MANE Select); coding-DNA position 8249, C replaced by T.
Protein change: p.Ser2750Phe; replaces serine 2750 with phenylalanine.
Molecular consequence: missense variant.
Genome position (GRCh38, 1-based): chr1:237,660,025, C>T. VCF-style: chr1-237660025-C-T. GRCh37 (hg19) VCF-style: chr1-237823325-C-T.
Other names: short protein forms S2750F.
Identifiers: ClinVar variation 3633812 (VCV003633812.2).
Genomic context (GRCh38, chr1:237,660,025, plus strand): 5'-AATGTTTGCCTTTTTTTAAGTTGGCAAATGGATGGATTTATGGAGAAATATATTCAGACT[C>T]TTCTAAGGTTCAGCCATTAATGAAGCCATATAAGCTATTGTCTGAAAAGGTAAGGATTTT-3'
Protein context (NP_001026.2, residues 2740-2760): GWIYGEIYSD[Ser2750Phe]SKVQPLMKPY